The following is an entry in ClinVar:

NM_001291303.3(FAT4):c.7231A>T (p.Thr2411Ser)

Gene: FAT4 (FAT atypical cadherin 4; plus strand). Cytogenetic location: 4q28.1.
Variant type: single nucleotide variant.
Coding change: c.7231A>T on transcript NM_001291303.3 (MANE Select); coding-DNA position 7231, A replaced by T.
Protein change: p.Thr2411Ser; replaces threonine 2411 with serine.
Molecular consequence: missense variant.
Genome position (GRCh38, 1-based): chr4:125,446,324, A>T. VCF-style: chr4-125446324-A-T. GRCh37 (hg19) VCF-style: chr4-126367479-A-T.
Other names: c.7231A>T, p.Thr2411Ser (NM_001291285.3); c.7225A>T, p.Thr2409Ser (NM_024582.6); c.7231A>T (NM_001291303.1); short protein forms T2409S, T2411S.
Identifiers: ClinVar variation 498556 (VCV000498556.22), dbSNP rs147297895, ClinGen allele CA3073141.
Genomic context (GRCh38, chr4:125,446,324, plus strand): 5'-CATATCCCTATTTCTGCTTTCTGCTTTAGTTATAGGATCATCGGTGGAAACTCTCAGTTC[A>T]CGATCAACCCATCGACAGGACAAATCATCACCAGCGCATTGTTAGATAGGGAAACAAAAG-3'
Protein context (NP_001278232.1, residues 2401-2421): YRIIGGNSQF[Thr2411Ser]INPSTGQIIT

ClinVar aggregate classification (germline): Conflicting classifications of pathogenicity. Review status: criteria provided, conflicting classifications (1 of 4 stars). 6 submissions from 6 submitters: Uncertain significance (2); Likely benign (3). 1 of the submissions does not count toward it. Last evaluated 2026-01-26.

Conditions:
FAT4-related disorder. Also called: FAT4-related condition.
Inborn genetic diseases. Identifiers: MedGen C0950123, MeSH D030342.

Allele frequency attached by ClinVar (database versions not stated): gnomAD exomes 0.00008 and 0.00019; ExAC 0.00024; ESP Exome Variant Server 0.00054; 1000 Genomes Project 30x 0.00078; 1000 Genomes Project 0.00080; TOPMed 0.00080; gnomAD 0.00084 and 0.00091.
gnomAD v4.1: 246 of 1,613,158 alleles (0.015%); highest among the groups gnomAD compares: African/African-American, 0.32%; no homozygotes.

Submissions (6):

Labcorp Genetics (formerly Invitae), Labcorp
Classification: Likely benign. Last evaluated: 2026-01-26. Review status: criteria provided, single submitter. Criteria: Invitae Variant Classification Sherloc (09022015). Collection method: clinical testing. Allele origin: germline.

Ambry Genetics
Classification: Likely benign for Inborn genetic diseases. Last evaluated: 2024-04-08. Review status: criteria provided, single submitter. Criteria: Ambry Variant Classification Scheme 2023. Collection method: clinical testing. Allele origin: germline.

Women's Health and Genetics/Laboratory Corporation of America, LabCorp
Classification: Uncertain significance. Last evaluated: 2024-03-05. Review status: criteria provided, single submitter. Criteria: LabCorp Variant Classification Summary - May 2015. Collection method: clinical testing. Allele origin: germline.
Comment: Variant summary: FAT4 c.7225A>T (p.Thr2409Ser) results in a conservative amino acid change located in the Cadherin-like domain (IPR002126) of the encoded protein sequence. Four of five in-silico tools predict a benign effect of the variant on protein function. The variant allele was found at a frequency of 0.00019 in 250752 control chromosomes. This frequency does not allow conclusions about variant significance. To our knowledge, no occurrence of c.7225A>T in individuals affected with FAT4-Related Disorders and no experimental evidence demonstrating its impact on protein function have been reported. ClinVar contains an entry for this variant (Variation ID: 498556). Based on the evidence outlined above, the variant was classified as uncertain significance.

Blueprint Genetics
Classification: Likely benign. Last evaluated: 2023-12-07. Review status: criteria provided, single submitter. Criteria: ACMG Guidelines, 2015. Collection method: clinical testing. Allele origin: germline.

Eurofins Ntd Llc (ga)
Classification: Uncertain significance. Last evaluated: 2016-11-09. Review status: criteria provided, single submitter. Criteria: EGL Classification Definitions 2015. Collection method: clinical testing. Allele origin: germline. Observed: 1 variant allele, 1 heterozygote.

PreventionGenetics, part of Exact Sciences
Classification: Likely benign for FAT4-related condition. Last evaluated: 2023-11-21. Review status: no assertion criteria provided. Collection method: clinical testing. Allele origin: germline. Not counted in ClinVar's aggregate classification.
Comment: This variant is classified as likely benign based on ACMG/AMP sequence variant interpretation guidelines (Richards et al. 2015 PMID: 25741868, with internal and published modifications).